The following is an entry in ClinVar:

NM_015910.7(WDPCP):c.1748+18413C>T

Gene: WDPCP (WD repeat containing planar cell polarity effector; minus strand). Cytogenetic location: 2p15.
Variant type: single nucleotide variant.
Coding change: c.1748+18413C>T on transcript NM_015910.7 (MANE Select); 18413 bases into the intron after coding-DNA position 1748, C replaced by T.
Molecular consequence: intron variant. On other transcripts: nonsense (1).
Genome position (GRCh38, 1-based): chr2:63,359,973, G>A on the plus strand (C>T on the coding strand, the complement: WDPCP is on the minus strand). VCF-style: chr2-63359973-G-A. GRCh37 (hg19) VCF-style: chr2-63587108-G-A.
Other names: c.1852C>T, p.Arg618Ter (NM_001354045.2); c.1676+18413C>T (NM_001354044.2); c.1271+18413C>T (NM_001042692.3); short protein forms R618*.
Identifiers: ClinVar variation 3350894 (VCV003350894.2).
Genomic context (GRCh38, chr2:63,359,973, plus strand): 5'-TACTAAAAACAACAAAAATTAGCTGGGTGTGGTGGCACATGCCAGTGGTCCCAGCTACTC[G>A]GGAGGCTGAGGCAGAAGAATCGCTTGAACCCAGGAGATGGAGGTGGCAATGAACCGCGAT-3'

ClinVar aggregate classification (germline): Uncertain significance (1 of 4 stars; one submission).

Conditions:
WDPCP-related disorder. Also called: WDPCP-related condition.

Submission:

PreventionGenetics, part of Exact Sciences
Classification: Uncertain significance for WDPCP-related condition. Last evaluated: 2025-05-31. Review status: criteria provided, single submitter. Criteria: ACMG Guidelines, 2015. Collection method: clinical testing. Allele origin: germline.
Comment: The WDPCP c.1852C>T variant is predicted to result in premature protein termination (p.Arg618*). To our knowledge, this variant has not been reported in the literature or in a large population database (gnomAD), indicating this variant is rare. This variant is located in the last exon of the transcript NM_001354045.1 and is predicted to escape nonsense mediated decay, and to our knowledge, no other downstream variants at this transcript have been reported to be pathogenic in the literature. Moreover, in other transcripts of this gene such as NM_015910 used in HGMD (Human Gene Mutation Database), this variant is located in the deep intron area. At this time, the clinical significance of this variant is uncertain due to the absence of conclusive functional and genetic evidence.